The following is an entry in ClinVar:

ClinVar aggregate classification (germline): Uncertain significance. Review status: criteria provided, multiple submitters, no conflicts (2 of 4 stars). 2 submissions from 2 submitters: Uncertain significance (2). Last evaluated 2025-10-29.

Conditions:
Joubert syndrome 21 (JBTS21). Identifiers: MedGen C3810212, MONDO:0014288, OMIM 615636.
Inborn genetic diseases. Identifiers: MedGen C0950123, MeSH D030342.

Allele frequency attached by ClinVar (database versions not stated): gnomAD 0.00003 and 0.00001; ESP Exome Variant Server 0.00017; gnomAD exomes 0.00002; TOPMed 0.00004; ExAC 0.00003.
gnomAD v4.1: 24 of 1,600,148 alleles (0.0015%); highest among the groups gnomAD compares: South Asian, 0.0033%; no homozygotes.

Submissions (2):

Ambry Genetics
Classification: Uncertain significance for Inborn genetic diseases. Last evaluated: 2025-10-29. Review status: criteria provided, single submitter. Criteria: Ambry Variant Classification Scheme 2023. Collection method: clinical testing. Allele origin: germline.

Labcorp Genetics (formerly Invitae), Labcorp
Classification: Uncertain significance for Joubert syndrome 21. Last evaluated: 2021-08-13. Review status: criteria provided, single submitter. Criteria: Invitae Variant Classification Sherloc (09022015). Collection method: clinical testing. Allele origin: germline.
Comment: This sequence change replaces histidine with arginine at codon 319 of the CSPP1 protein (p.His319Arg). The histidine residue is weakly conserved and there is a small physicochemical difference between histidine and arginine. This variant is present in population databases (rs374738280, ExAC 0.02%). This variant has not been reported in the literature in individuals affected with CSPP1-related conditions. Algorithms developed to predict the effect of missense changes on protein structure and function output the following: SIFT: "Tolerated"; PolyPhen-2: "Benign"; Align-GVGD: "Class C0". The arginine amino acid residue is found in multiple mammalian species, which suggests that this missense change does not adversely affect protein function. In summary, the available evidence is currently insufficient to determine the role of this variant in disease. Therefore, it has been classified as a Variant of Uncertain Significance.

NM_001382391.1(CSPP1):c.929A>G (p.His310Arg)

Gene: CSPP1 (centrosome and spindle pole associated protein 1; plus strand). Cytogenetic location: 8q13.2.
Variant type: single nucleotide variant.
Coding change: c.929A>G on transcript NM_001382391.1 (MANE Select); coding-DNA position 929, A replaced by G.
Protein change: p.His310Arg; replaces histidine 310 with arginine.
Molecular consequence: missense variant. On other transcripts: intron variant (1).
Genome position (GRCh38, 1-based): chr8:67,103,042, A>G. VCF-style: chr8-67103042-A-G. GRCh37 (hg19) VCF-style: chr8-68015277-A-G.
Other names: c.74A>G, p.His25Arg (NM_001291339.2); c.848A>G, p.His283Arg (NM_001363131.2, NM_001363133.2); c.929A>G, p.His310Arg (NM_001363132.2); c.1037A>G, p.His346Arg (NM_001364869.1); c.956A>G, p.His319Arg (NM_024790.7); c.951-2863A>G (NM_001364870.1); short protein forms H25R, H310R, H319R, H283R, H346R.
Identifiers: ClinVar variation 1370910 (VCV001370910.7), dbSNP rs374738280, ClinGen allele CA4770394.